The following is an entry in ClinVar:

ClinVar aggregate classification (germline): Uncertain significance. Review status: criteria provided, multiple submitters, no conflicts (2 of 4 stars). 2 submissions from 2 submitters: Uncertain significance (2). Last evaluated 2025-12-05.

Conditions:
AKR1C4-related disorder. Also called: AKR1C4-related condition.

Allele frequency attached by ClinVar (database versions not stated): ExAC 0.00001; gnomAD exomes 0.00002; gnomAD 0.00008; TOPMed 0.00009.
gnomAD v4.1: 47 of 1,614,054 alleles (0.0029%); highest among the groups gnomAD compares: East Asian, 0.0067%; no homozygotes.

Submissions (2):

PreventionGenetics, part of Exact Sciences
Classification: Uncertain significance for AKR1C4-related condition. Last evaluated: 2025-12-05. Review status: criteria provided, single submitter. Criteria: ACMG Guidelines, 2015. Collection method: clinical testing. Allele origin: germline.
Comment: The AKR1C4 c.140G>A variant is predicted to result in the amino acid substitution p.Arg47His. To our knowledge, this variant has not been reported in the literature. This variant is reported in 0.0050% of alleles in individuals of East Asian descent in gnomAD. At this time, the clinical significance of this variant is uncertain due to the absence of conclusive functional and genetic evidence.

Labcorp Genetics (formerly Invitae), Labcorp
Classification: Uncertain significance. Last evaluated: 2023-10-07. Review status: criteria provided, single submitter. Criteria: Invitae Variant Classification Sherloc (09022015). Collection method: clinical testing. Allele origin: germline.
Comment: This sequence change replaces arginine, which is basic and polar, with histidine, which is basic and polar, at codon 47 of the AKR1C4 protein (p.Arg47His). This variant is present in population databases (rs528399704, gnomAD 0.005%). This variant has not been reported in the literature in individuals affected with AKR1C4-related conditions. An algorithm developed to predict the effect of missense changes on protein structure and function (PolyPhen-2) suggests that this variant is likely to be tolerated. In summary, the available evidence is currently insufficient to determine the role of this variant in disease. Therefore, it has been classified as a Variant of Uncertain Significance.

NM_001818.5(AKR1C4):c.140G>A (p.Arg47His)

Gene: AKR1C4 (aldo-keto reductase family 1 member C4; plus strand). Cytogenetic location: 10p15.1.
Variant type: single nucleotide variant.
Coding change: c.140G>A on transcript NM_001818.5 (MANE Select); coding-DNA position 140, G replaced by A.
Protein change: p.Arg47His; replaces arginine 47 with histidine.
Molecular consequence: missense variant.
Genome position (GRCh38, 1-based): chr10:5,200,236, G>A. VCF-style: chr10-5200236-G-A. GRCh37 (hg19) VCF-style: chr10-5242199-G-A.
Other names: c.140G>A (NM_001818.3); short protein forms R47H.
Identifiers: ClinVar variation 2893112 (VCV002893112.4), dbSNP rs528399704, ClinGen allele CA5391290.